The following is an entry in ClinVar:

NM_152564.5(VPS13B):c.3031T>C (p.Tyr1011His)

Gene: VPS13B (vacuolar protein sorting 13 homolog B; plus strand). Cytogenetic location: 8q22.2.
Variant type: single nucleotide variant.
Coding change: c.3031T>C on transcript NM_152564.5 (MANE Select); coding-DNA position 3031, T replaced by C.
Protein change: p.Tyr1011His; replaces tyrosine 1011 with histidine.
Molecular consequence: missense variant.
Genome position (GRCh38, 1-based): chr8:99,391,653, T>C. VCF-style: chr8-99391653-T-C. GRCh37 (hg19) VCF-style: chr8-100403881-T-C.
Other names: c.3031T>C, p.Tyr1011His (NM_017890.5); c.3031T>C (NM_017890.3, NM_017890.4); short protein forms Y1011H.
Identifiers: ClinVar variation 1011567 (VCV001011567.8), dbSNP rs771021187, ClinGen allele CA4823137.

ClinVar aggregate classification (germline): Uncertain significance. Review status: criteria provided, multiple submitters, no conflicts (2 of 4 stars). 4 submissions from 4 submitters: Uncertain significance (3). 1 of the submissions does not count toward it. Last evaluated 2024-05-15.

Conditions:
Inborn genetic diseases. Identifiers: MedGen C0950123, MeSH D030342.
Cohen syndrome (COH1). Also called: PEPPER SYNDROME; Cutis verticis gyrata, retinitis pigmentosa, and sensorineural deafness. Identifiers: Orphanet 193, MedGen C0265223, MONDO:0008999, OMIM 216550.

Allele frequency attached by ClinVar (database versions not stated): gnomAD exomes below 0.00001 and 0.00001; TOPMed 0.00001; ExAC 0.00002.
gnomAD v4.1: 4 of 1,614,170 alleles (0.00025%); highest among the groups gnomAD compares: Admixed American, 0.0017%; no homozygotes.

Submissions (4):

Ambry Genetics
Classification: Uncertain significance for Inborn genetic diseases. Last evaluated: 2024-05-15. Review status: criteria provided, single submitter. Criteria: Ambry Variant Classification Scheme 2023. Collection method: clinical testing. Allele origin: germline.

Labcorp Genetics (formerly Invitae), Labcorp
Classification: Uncertain significance for Cohen syndrome. Last evaluated: 2022-09-27. Review status: criteria provided, single submitter. Criteria: Invitae Variant Classification Sherloc (09022015). Collection method: clinical testing. Allele origin: germline.
Comment: This sequence change replaces tyrosine, which is neutral and polar, with histidine, which is basic and polar, at codon 1011 of the VPS13B protein (p.Tyr1011His). This variant is present in population databases (rs771021187, gnomAD 0.003%). This variant has not been reported in the literature in individuals affected with VPS13B-related conditions. ClinVar contains an entry for this variant (Variation ID: 1011567). Advanced modeling of protein sequence and biophysical properties (such as structural, functional, and spatial information, amino acid conservation, physicochemical variation, residue mobility, and thermodynamic stability) performed at Invitae indicates that this missense variant is not expected to disrupt VPS13B protein function. In summary, the available evidence is currently insufficient to determine the role of this variant in disease. Therefore, it has been classified as a Variant of Uncertain Significance.

Fulgent Genetics
Classification: Uncertain significance for Cohen syndrome. Last evaluated: 2021-07-07. Review status: criteria provided, single submitter. Criteria: ACMG Guidelines, 2015. Collection method: clinical testing. Allele origin: unknown.

Natera, Inc.
Classification: Uncertain significance for Cohen syndrome. Last evaluated: 2020-05-13. Review status: no assertion criteria provided. Collection method: clinical testing. Allele origin: germline. Not counted in ClinVar's aggregate classification.